The following is an entry in ClinVar:

ClinVar aggregate classification (germline): Uncertain significance. Review status: criteria provided, multiple submitters, no conflicts (2 of 4 stars). 2 submissions from 2 submitters: Uncertain significance (2). Last evaluated 2025-01-12.

Conditions:
ANKRD1-related dilated cardiomyopathy. Identifiers: MedGen CN119551.

Submissions (2):

Labcorp Genetics (formerly Invitae), Labcorp
Classification: Uncertain significance for ANKRD1-related dilated cardiomyopathy. Last evaluated: 2025-01-12. Review status: criteria provided, single submitter. Criteria: Invitae Variant Classification Sherloc (09022015). Collection method: clinical testing. Allele origin: germline.
Comment: This sequence change replaces leucine, which is neutral and non-polar, with arginine, which is basic and polar, at codon 199 of the ANKRD1 protein (p.Leu199Arg). This variant is not present in population databases (gnomAD no frequency). This missense change has been observed in individual(s) with dilated cardiomyopathy (PMID: 19525294). ClinVar contains an entry for this variant (Variation ID: 1303025). Invitae Evidence Modeling of protein sequence and biophysical properties (such as structural, functional, and spatial information, amino acid conservation, physicochemical variation, residue mobility, and thermodynamic stability) indicates that this missense variant is not expected to disrupt ANKRD1 protein function with a negative predictive value of 80%. Experimental studies have shown that this missense change affects ANKRD1 function (PMID: 19525294). In summary, the available evidence is currently insufficient to determine the role of this variant in disease. Therefore, it has been classified as a Variant of Uncertain Significance.

GeneDx
Classification: Uncertain significance. Last evaluated: 2019-10-31. Review status: criteria provided, single submitter. Criteria: GeneDx Variant Classification Process June 2021. Collection method: clinical testing. Allele origin: germline. Affected: yes.
Comment: Not observed in large population cohorts (Lek et al., 2016); In silico analysis, which includes protein predictors and evolutionary conservation, supports a deleterious effect; Reported in association with DCM (Duboscq-Bidot et al., 2009); This variant is associated with the following publications: (PMID: 19525294)

Literature cited by the submitters: PubMed 19525294 (cited by Labcorp Genetics (formerly Invitae), Labcorp).

NM_014391.3(ANKRD1):c.596T>G (p.Leu199Arg)

Gene: ANKRD1 (ankyrin repeat domain 1; minus strand). Cytogenetic location: 10q23.31.
Variant type: single nucleotide variant.
Coding change: c.596T>G on transcript NM_014391.3 (MANE Select); coding-DNA position 596, T replaced by G.
Protein change: p.Leu199Arg; replaces leucine 199 with arginine.
Molecular consequence: missense variant.
Genome position (GRCh38, 1-based): chr10:90,916,226, A>C on the plus strand (T>G on the coding strand, the complement: ANKRD1 is on the minus strand). VCF-style: chr10-90916226-A-C. GRCh37 (hg19) VCF-style: chr10-92675983-A-C.
Other names: short protein forms L199R.
Identifiers: ClinVar variation 1303025 (VCV001303025.4), dbSNP rs1847372810, ClinGen allele CA377550793.